The following is an entry in ClinVar:

ClinVar aggregate classification (germline): Pathogenic. Review status: criteria provided, multiple submitters, no conflicts (2 of 4 stars). 2 submissions from 2 submitters: Pathogenic (2). Last evaluated 2024-08-31.

Conditions:
Abetalipoproteinaemia (ABL). Also called: MTP DEFICIENCY; Abetalipoproteinemia; Abetalipoproteinemia neuropathy; Apolipoprotein B deficiency; Congenital betalipoprotein deficiency syndrome. Identifiers: Orphanet 14, MedGen C0000744, MONDO:0008692, OMIM 200100, HP:0008181.

Submissions (2):

Myriad Genetics, Inc.
Classification: Pathogenic for Abetalipoproteinaemia. Last evaluated: 2024-08-31. Review status: criteria provided, single submitter. Criteria: Myriad Autosomal Dominant, Autosomal Recessive and X-Linked Classification Criteria (2023). Collection method: clinical testing. Allele origin: unknown.
Comment: NM_000253.2(MTTP):c.1302_1303delAC(L435Cfs*8) is expected to be pathogenic in the context of abetalipoproteinemia. This variant is predicted to lead to an abnormal or absent protein product due to the creation of a premature termination codon in MTTP, a gene where loss-of-function variants are known to be pathogenic. Please note: this variant was assessed in the context of healthy population screening.

Labcorp Genetics (formerly Invitae), Labcorp
Classification: Pathogenic. Last evaluated: 2022-02-17. Review status: criteria provided, single submitter. Criteria: Invitae Variant Classification Sherloc (09022015). Collection method: clinical testing. Allele origin: germline.
Comment: For these reasons, this variant has been classified as Pathogenic. This sequence change creates a premature translational stop signal (p.Leu435Cysfs*8) in the MTTP gene. It is expected to result in an absent or disrupted protein product. Loss-of-function variants in MTTP are known to be pathogenic (PMID: 8533758, 9671739). This variant is not present in population databases (gnomAD no frequency). This variant has not been reported in the literature in individuals affected with MTTP-related conditions. Algorithms developed to predict the effect of sequence changes on RNA splicing suggest that this variant may disrupt the consensus splice site.

Literature cited by the submitters: PubMed 8533758 (cited by Labcorp Genetics (formerly Invitae), Labcorp); PubMed 9671739 (cited by Labcorp Genetics (formerly Invitae), Labcorp).

NM_001386140.1(MTTP):c.1302_1303del (p.Leu435fs)

Gene: MTTP (microsomal triglyceride transfer protein; plus strand). Cytogenetic location: 4q23.
Variant type: Microsatellite.
Coding change: c.1302_1303del on transcript NM_001386140.1 (MANE Select); coding-DNA positions 1302 to 1303, 2 bases deleted (AC; older notation c.1302_1303delAC).
Protein change: p.Leu435fs; shifts the reading frame from leucine 435.
Molecular consequence: frameshift variant.
Genome position (GRCh38, 1-based): chr4:99,601,672-99,601,673, AC deleted; deleting any 2 consecutive bases within chr4:99,601,670-99,601,673 gives the same sequence; the c. name uses the placement nearest the transcript's 3' end. VCF-style (leftmost placement, unchanged base first): chr4-99601669-GAC-G. GRCh37 (hg19) VCF-style: chr4-100522826-GAC-G.
Other names: c.1302_1303del, p.Leu435fs (NM_000253.4); c.1053_1054del, p.Leu352fs (NM_001300785.2); short protein forms L435fs, L352fs.
Identifiers: ClinVar variation 2097816 (VCV002097816.5), dbSNP rs2476126352, ClinGen allele CA2580616123.